The following is an entry in ClinVar:

NM_001244008.2(KIF1A):c.2435A>T (p.Glu812Val)

Gene: KIF1A (kinesin family member 1A; minus strand). Cytogenetic location: 2q37.3.
Variant type: single nucleotide variant.
Coding change: c.2435A>T on transcript NM_001244008.2 (MANE Select); coding-DNA position 2435, A replaced by T.
Protein change: p.Glu812Val; replaces glutamic acid 812 with valine.
Molecular consequence: missense variant.
Genome position (GRCh38, 1-based): chr2:240,760,674, T>A on the plus strand (A>T on the coding strand, the complement: KIF1A is on the minus strand). VCF-style: chr2-240760674-T-A. GRCh37 (hg19) VCF-style: chr2-241700091-T-A.
Other names: c.2435A>T, p.Glu812Val (NM_001320705.2, NM_001330289.2, NM_001379638.1); c.2510A>T, p.Glu837Val (NM_001330290.2, NM_001379631.1, NM_001379634.1 and 2 more transcripts); c.2408A>T, p.Glu803Val (NM_001379632.1, NM_001379633.1, NM_001379636.1 and 11 more transcripts); c.2483A>T, p.Glu828Val (NM_001379637.1, NM_001379648.1); short protein forms E828V, E837V, E812V, E803V.
Identifiers: ClinVar variation 2944416 (VCV002944416.3), dbSNP rs2537596233, ClinGen allele CA351324491.

ClinVar aggregate classification (germline): Uncertain significance (1 of 4 stars; one submission).

Conditions:
Neuropathy, hereditary sensory, type 2C. Also called: KIF1A-Related HSAN2 (HSAN2C); Hereditary sensory and autonomic neuropathy type IIC. Identifiers: Orphanet 970, MedGen C3280168, MONDO:0013634, OMIM 614213.
Hereditary spastic paraplegia 30. Identifiers: Orphanet 101010, MedGen C5235139, MONDO:0012476.
Intellectual disability, autosomal dominant 9 (NESCAVS). Also called: NESCAV SYNDROME; KIF1A-Related Neurodevelopmental Disorder. Identifiers: Orphanet 662367, MedGen C5393830, MONDO:0013656, OMIM 614255.

Submission:

Labcorp Genetics (formerly Invitae), Labcorp
Classification: Uncertain significance for Hereditary spastic paraplegia 30; Neuropathy, hereditary sensory, type 2C; Intellectual disability, autosomal dominant 9. Last evaluated: 2023-11-24. Review status: criteria provided, single submitter. Criteria: Invitae Variant Classification Sherloc (09022015). Collection method: clinical testing. Allele origin: germline.
Comment: This sequence change replaces glutamic acid, which is acidic and polar, with valine, which is neutral and non-polar, at codon 803 of the KIF1A protein (p.Glu803Val). This variant is not present in population databases (gnomAD no frequency). This variant has not been reported in the literature in individuals affected with KIF1A-related conditions. Advanced modeling of protein sequence and biophysical properties (such as structural, functional, and spatial information, amino acid conservation, physicochemical variation, residue mobility, and thermodynamic stability) has been performed at Invitae for this missense variant, however the output from this modeling did not meet the statistical confidence thresholds required to predict the impact of this variant on KIF1A protein function. In summary, the available evidence is currently insufficient to determine the role of this variant in disease. Therefore, it has been classified as a Variant of Uncertain Significance.